The following is an entry in ClinVar:

NM_004239.4(TRIP11):c.3082C>T (p.Arg1028Ter)

Gene: TRIP11 (thyroid hormone receptor interactor 11; minus strand). Cytogenetic location: 14q32.12.
Variant type: single nucleotide variant.
Coding change: c.3082C>T on transcript NM_004239.4 (MANE Select); coding-DNA position 3082, C replaced by T.
Protein change: p.Arg1028Ter; replaces arginine 1028 with a stop codon.
Molecular consequence: nonsense.
Genome position (GRCh38, 1-based): chr14:92,004,894, G>A on the plus strand (C>T on the coding strand, the complement: TRIP11 is on the minus strand). VCF-style: chr14-92004894-G-A. GRCh37 (hg19) VCF-style: chr14-92471238-G-A.
Other names: c.3079C>T, p.Arg1027Ter (NM_001321851.1); short protein forms R1027*, R1028*.
Identifiers: ClinVar variation 1120079 (VCV001120079.8), dbSNP rs149562813, ClinGen allele CA7313688.

ClinVar aggregate classification (germline): Pathogenic/Likely pathogenic. Review status: criteria provided, multiple submitters, no conflicts (2 of 4 stars). 4 submissions from 4 submitters: Pathogenic (2); Likely pathogenic (2). Last evaluated 2026-06-05.

Conditions:
TRIP11-related disorder. Also called: TRIP11-related condition; TRIP11-Related Disorders.
Achondrogenesis, type IA (ACG1A). Identifiers: Orphanet 932, Orphanet 93299, MedGen C0265273, MONDO:0008701, OMIM 200600.

Allele frequency attached by ClinVar (database versions not stated): gnomAD 0.00006 and 0.00007; TOPMed 0.00007; ESP Exome Variant Server 0.00023.
gnomAD v4.1: 133 of 1,613,630 alleles (0.0082%); highest among the groups gnomAD compares: Non-Finnish European, 0.0099%; no homozygotes.

Submissions (4):

PreventionGenetics, part of Exact Sciences
Classification: Pathogenic for TRIP11-related condition. Last evaluated: 2026-06-05. Review status: criteria provided, single submitter. Criteria: ACMG Guidelines, 2015. Collection method: clinical testing. Allele origin: germline.
Comment: The TRIP11 c.3082C>T variant is predicted to result in premature protein termination (p.Arg1028*). This variant was reported in multiple patients with achondrogenesis type 1A (Smits et al. 2010. PubMed ID: 20089971; Supplementary Data 1, Hou et al. 2020. PubMed ID: 31980526). This variant is reported in 0.0094% of alleles in individuals of European (Non-Finnish) descent in gnomAD. Nonsense variants in TRIP11 are expected to be pathogenic. This variant is interpreted as pathogenic.

Labcorp Genetics (formerly Invitae), Labcorp
Classification: Pathogenic for Achondrogenesis, type IA. Last evaluated: 2025-07-23. Review status: criteria provided, single submitter. Criteria: Invitae Variant Classification Sherloc (09022015). Collection method: clinical testing. Allele origin: germline.
Comment: This sequence change creates a premature translational stop signal (p.Arg1028*) in the TRIP11 gene. It is expected to result in an absent or disrupted protein product. Loss-of-function variants in TRIP11 are known to be pathogenic (PMID: 20089971, 23956106). This variant is present in population databases (rs149562813, gnomAD 0.01%). This variant has not been reported in the literature in individuals affected with TRIP11-related conditions. ClinVar contains an entry for this variant (Variation ID: 1120079). For these reasons, this variant has been classified as Pathogenic.

Blueprint Genetics
Classification: Likely pathogenic for TRIP11-related disorders. Last evaluated: 2024-07-08. Review status: criteria provided, single submitter. Criteria: ACMG Guidelines, 2015. Collection method: clinical testing. Allele origin: germline. Affected: yes. Observed: 4 variant alleles.

Laboratory for Molecular Medicine, Mass General Brigham Personalized Medicine
Classification: Likely pathogenic for Achondrogenesis, type IA. Last evaluated: 2020-06-25. Review status: criteria provided, single submitter. Criteria: LMM Criteria. Collection method: clinical testing. Allele origin: germline. Inheritance: Autosomal recessive inheritance. Observed: 1 variant allele.
Comment: The p.Arg1028X variant in TRIP11 has been reported in at least 1 individual with achondrogenesis type 1A (Smits 2010 PMID: 20089971). It is unclear whether this variant was identified in the homozygous state or in the compound heterozygous state with another pathogenic TRIP11 variant. This variant has also been identified in 0.009% (12/128126) of European chromosomes by gnomAD. This frequency is low enough to be consistent with a recessive allele frequency. This nonsense variant leads to a premature termination codon at position 1028, which is predicted to lead to a truncated or absent protein. Loss of function of the TRIP11 gene is an established disease mechanism in autosomal recessive achondrogenesis type 1A. In summary, although additional studies are required to fully establish its clinical significance, this variant meets criteria to be classified as likely pathogenic for autosomal recessive achondrogenesis type 1A. ACMG/AMP Criteria applied: PVS1, PM3_Supporting.

Literature cited by the submitters: PubMed 20089971 (cited by Labcorp Genetics (formerly Invitae), Labcorp and Laboratory for Molecular Medicine, Mass General Brigham Personalized Medicine); PubMed 23956106 (cited by Labcorp Genetics (formerly Invitae), Labcorp).